The following is an entry in ClinVar:

ClinVar aggregate classification (germline): Likely benign (1 of 4 stars; one submission).

gnomAD v4.1: 10 of 1,562,094 alleles (0.00064%); highest among the groups gnomAD compares: East Asian, 0.0022%; no homozygotes.

Submission:

CeGaT Center for Human Genetics Tuebingen
Classification: Likely benign. Last evaluated: 2025-07-01. Review status: criteria provided, single submitter. Criteria: CeGaT Center For Human Genetics Tuebingen Variant Classification Criteria Version 2. Collection method: clinical testing. Allele origin: germline. Affected: yes. Observed: 1 variant allele.
Comment: CDK13: BP4, BS2

NM_003718.5(CDK13):c.4391G>T (p.Gly1464Val)

Gene: CDK13 (cyclin dependent kinase 13; plus strand). Cytogenetic location: 7p14.1.
Variant type: single nucleotide variant.
Coding change: c.4391G>T on transcript NM_003718.5 (MANE Select); coding-DNA position 4391, G replaced by T.
Protein change: p.Gly1464Val; replaces glycine 1464 with valine.
Molecular consequence: missense variant.
Genome position (GRCh38, 1-based): chr7:40,094,832, G>T. VCF-style: chr7-40094832-G-T. GRCh37 (hg19) VCF-style: chr7-40134431-G-T.
Other names: c.4211G>T, p.Gly1404Val (NM_031267.4); short protein forms G1404V, G1464V.
Identifiers: ClinVar variation 4085451 (VCV004085451.8).